The following is an entry in ClinVar:

ClinVar aggregate classification (germline): Pathogenic/Likely pathogenic. Review status: criteria provided, multiple submitters, no conflicts (2 of 4 stars). 9 submissions from 9 submitters: Pathogenic (3); Likely pathogenic (4). 2 of the submissions do not count toward it. Last evaluated 2025-09-30.

Conditions:
C3-related disorders.
Atypical hemolytic-uremic syndrome. Identifiers: Orphanet 2134, MedGen C2931788, MONDO:0016244.
C3 glomerulonephritis. Also called: C3 GLOMERULOPATHY 3; Nephropathy due to CFHR5 Deficiency. Identifiers: Orphanet 329931, MedGen C4055342, MONDO:0013892, OMIM 614809.
C3-related disorder. Also called: C3-related condition.
Familial Atypical Hemolytic-Uremic Syndrome. Identifiers: MedGen C4055018.
Age related macular degeneration 9. Identifiers: MedGen C1969651, MONDO:0012659, OMIM 611378.
Complement component 3 deficiency. Identifiers: Orphanet 280133, MedGen C3151071, MONDO:0013417, OMIM 613779.
Atypical hemolytic-uremic syndrome with C3 anomaly. Also called: AHUS, SUSCEPTIBILITY TO, 5. Identifiers: Orphanet 2134, MedGen C2752037, MONDO:0013043, OMIM 612925.

Allele frequency attached by ClinVar (database versions not stated): TOPMed 0.00001.
gnomAD v4.1: 2 of 1,614,012 alleles (0.00012%); highest among the groups gnomAD compares: African/African-American, 0.0027%; no homozygotes.

Submissions (9):

Genomenon, Inc
Classification: Likely pathogenic for C3 glomerulonephritis; Atypical hemolytic-uremic syndrome. Last evaluated: 2025-09-30. Review status: criteria provided, single submitter. Criteria: Genomenon Sequence Variant Interpretation Standards. Collection method: curation. Allele origin: germline. Affected: yes.
Comment: C3 p.Arg592Gln (c.1775G>A) is a missense variant that changes the amino acid at residue 592 from Arginine to Glutamine. This variant has been observed in at least one proband affected with a C3-related disorder (PMID:18796626;29566171;19590060;30046676). At least one functional study has demonstrated a substantial alteration in protein function relative to the wild-type (PMID:18796626;25608561). It is absent or not present at a significant frequency in gnomAD. In conclusion, we classify C3 p.Arg592Gln (c.1775G>A) as a likely pathogenic variant.

Blueprint Genetics
Classification: Pathogenic for C3-related disorders. Last evaluated: 2024-07-08. Review status: criteria provided, single submitter. Criteria: ACMG Guidelines, 2015. Collection method: clinical testing. Allele origin: germline. Affected: yes. Observed: 2 variant alleles.

Fulgent Genetics
Classification: Likely pathogenic for Age related macular degeneration 9; Atypical hemolytic-uremic syndrome with C3 anomaly; Complement component 3 deficiency. Last evaluated: 2024-03-28. Review status: criteria provided, single submitter. Criteria: ACMG Guidelines, 2015. Collection method: clinical testing. Allele origin: germline.

Mayo Clinic Laboratories, Mayo Clinic
Classification: Pathogenic. Last evaluated: 2024-03-20. Review status: criteria provided, single submitter. Criteria: ACMG Guidelines, 2015. Collection method: clinical testing. Allele origin: germline.
Comment: PM1, PM2_moderate, PM5, PS3, PS4

Labcorp Genetics (formerly Invitae), Labcorp
Classification: Pathogenic. Last evaluated: 2022-04-01. Review status: criteria provided, single submitter. Criteria: Invitae Variant Classification Sherloc (09022015). Collection method: clinical testing. Allele origin: germline.
Comment: This sequence change replaces arginine, which is basic and polar, with glutamine, which is neutral and polar, at codon 592 of the C3 protein (p.Arg592Gln). This variant is not present in population databases (gnomAD no frequency). This missense change has been observed in individual(s) with autosomal dominant C3-related conditions (PMID: 18796626, 19590060, 29566171, 30046676). It has also been observed to segregate with disease in related individuals. This variant is also known as R570Q. ClinVar contains an entry for this variant (Variation ID: 17060). Algorithms developed to predict the effect of missense changes on protein structure and function (SIFT, PolyPhen-2, Align-GVGD) all suggest that this variant is likely to be tolerated. Experimental studies have shown that this missense change affects C3 function (PMID: 18796626). For these reasons, this variant has been classified as Pathogenic.

Women's Health and Genetics/Laboratory Corporation of America, LabCorp
Classification: Likely pathogenic for Familial Atypical Hemolytic-Uremic Syndrome. Last evaluated: 2022-02-10. Review status: criteria provided, single submitter. Criteria: LabCorp Variant Classification Summary - May 2015. Collection method: clinical testing. Allele origin: germline.
Comment: Variant summary: C3 c.1775G>A (p.Arg592Gln) results in a conservative amino acid change located in the Alpha-2-macroglobulin, bait region domain (IPR011625) of the encoded protein sequence. Four of five in-silico tools predict a benign effect of the variant on protein function. The variant was absent in 251464 control chromosomes. c.1775G>A has been reported in the literature in individuals affected with Genetic Atypical Hemolytic Uremic Syndrome (example, Fremeaux-Bacchi_2008, Fidalgo_2017, Zhao_2018, Bahougne_2020). These data indicate that the variant is likely to be associated with disease. At least one publication reports experimental evidence evaluating an impact on protein function. The most pronounced variant effect results in 22% of WT activity in binding to complement regulators such as membrane coding factor (MCP), resulting in a resistance to cleavage by factor I and a decreased cofactor activity (example, Fremeaux-Bachhi_2008 and reproduced by Schramm_2015). Two clinical diagnostic laboratories have submitted clinical-significance assessments for this variant to ClinVar after 2014 without evidence for independent evaluation. All laboratories classified the variant as pathogenic/likely pathogenic. Based on the evidence outlined above, the variant was classified as likely pathogenic.

GeneDx
Classification: Likely pathogenic. Last evaluated: 2020-12-10. Review status: criteria provided, single submitter. Criteria: GeneDx Variant Classification Process June 2021. Collection method: clinical testing. Allele origin: germline. Affected: yes.
Comment: Published functional studies demonstrate a damaging effect on binding affinity and decreased co-factor activity (Fremeaux-Bacchi et al., 2008; Schramm et al., 2015); Not observed in large population cohorts (Lek et al., 2016); In silico analysis supports that this missense variant does not alter protein structure/function; This variant is associated with the following publications: (PMID: 29566171, 19590060, 18796626, 21902819, 19775316, 24161037, 29450785, 25486517, 27013439, 23314101, 30046676, 25608561, 32950058, 21102542)

PreventionGenetics, part of Exact Sciences
Classification: Likely pathogenic for C3-related condition. Last evaluated: 2024-07-31. Review status: no assertion criteria provided. Collection method: clinical testing. Allele origin: germline. Not counted in ClinVar's aggregate classification.
Comment: The C3 c.1775G>A variant is predicted to result in the amino acid substitution p.Arg592Gln. This variant in heterozygous state was associated with atypical haemolytic uraemic syndrome (Reported as R570Q in Fremeaux-Bacchi et al 2008. PubMed ID: 18796626; Schramm et al 2015. PubMed ID: 25608561). Of note, another missense variant (p.Arg592Trp), affecting the same amino acid, was also associated with atypical haemolytic uraemic syndrome (reported as R570W in Fremeaux-Bacchi et al 2008. PubMed ID: 18796626). This variant has not been reported in a large population database, indicating this variant is rare. This variant is interpreted as likely pathogenic.

OMIM
Classification: risk factor for HEMOLYTIC UREMIC SYNDROME, ATYPICAL, SUSCEPTIBILITY TO, 5. Last evaluated: 2008-12-15. Review status: no assertion criteria provided. Collection method: literature only. Allele origin: germline. Not counted in ClinVar's aggregate classification.

Literature cited by the submitters: PubMed 18796626 (cited by 5 submitters); PubMed 29566171 (cited by 4 submitters); PubMed 19590060 (cited by Genomenon, Inc and Labcorp Genetics (formerly Invitae), Labcorp); PubMed 30046676 (cited by 4 submitters); PubMed 25608561 (cited by 3 submitters); PubMed 23307876 (cited by Mayo Clinic Laboratories, Mayo Clinic); PubMed 25188723 (cited by Mayo Clinic Laboratories, Mayo Clinic); PubMed 28596415 (cited by Mayo Clinic Laboratories, Mayo Clinic); PubMed 32950058 (cited by Mayo Clinic Laboratories, Mayo Clinic and Women's Health and Genetics/Laboratory Corporation of America, LabCorp).

NM_000064.4(C3):c.1775G>A (p.Arg592Gln)

Gene: C3 (complement C3; minus strand). Cytogenetic location: 19p13.3.
Variant type: single nucleotide variant.
Coding change: c.1775G>A on transcript NM_000064.4 (MANE Select); coding-DNA position 1775, G replaced by A.
Protein change: p.Arg592Gln; replaces arginine 592 with glutamine.
Molecular consequence: missense variant.
Genome position (GRCh38, 1-based): chr19:6,709,754, C>T on the plus strand (G>A on the coding strand, the complement: C3 is on the minus strand). VCF-style: chr19-6709754-C-T. GRCh37 (hg19) VCF-style: chr19-6709765-C-T.
Other names: C3, ARG570GLN; R570Q; c.1775G>A, p.Arg592Gln (LRG_27t1); short protein forms R592Q.
Identifiers: ClinVar variation 17060 (VCV000017060.21), dbSNP rs121909583, ClinGen allele CA257691.